The following is an entry in ClinVar:

NM_001145308.5(LRTOMT):c.340C>T (p.His114Tyr)

Genes: LRTOMT (leucine rich transmembrane and O-methyltransferase domain containing; plus strand), TOMT (transmembrane O-methyltransferase; plus strand). Cytogenetic location: 11q13.4.
Variant type: single nucleotide variant.
Coding change: c.340C>T on transcript NM_001145308.5; coding-DNA position 340, C replaced by T.
Protein change: p.His114Tyr; replaces histidine 114 with tyrosine.
Molecular consequence: missense variant.
Genome position (GRCh38, 1-based): chr11:72,106,192, C>T. VCF-style: chr11-72106192-C-T. GRCh37 (hg19) VCF-style: chr11-71817238-C-T.
Other names: c.241C>T, p.His81Tyr (NM_001393500.2); c.340C>T, p.His114Tyr (NM_001145309.4); c.220C>T, p.His74Tyr (NM_001145310.4); short protein forms H81Y, H114Y, H74Y.
Identifiers: ClinVar variation 1443179 (VCV001443179.9), dbSNP rs767713899, ClinGen allele CA6168590.

ClinVar aggregate classification (germline): Uncertain significance. Review status: criteria provided, multiple submitters, no conflicts (2 of 4 stars). 2 submissions from 2 submitters: Uncertain significance (2). Last evaluated 2025-03-18.

Conditions:
Inborn genetic diseases. Identifiers: MedGen C0950123, MeSH D030342.

Allele frequency attached by ClinVar (database versions not stated): gnomAD exomes 0.00002 and 0.00008; TOPMed 0.00031; ExAC 0.00015; gnomAD 0.00027 and 0.00029; 1000 Genomes Project 30x 0.00031.
gnomAD v4.1: 76 of 1,502,538 alleles (0.0051%); highest among the groups gnomAD compares: African/African-American, 0.092%; no homozygotes.

Submissions (2):

Ambry Genetics
Classification: Uncertain significance for Inborn genetic diseases. Last evaluated: 2025-03-18. Review status: criteria provided, single submitter. Criteria: Ambry Variant Classification Scheme 2023. Collection method: clinical testing. Allele origin: germline.

Labcorp Genetics (formerly Invitae), Labcorp
Classification: Uncertain significance. Last evaluated: 2023-08-28. Review status: criteria provided, single submitter. Criteria: Invitae Variant Classification Sherloc (09022015). Collection method: clinical testing. Allele origin: germline.
Comment: In summary, the available evidence is currently insufficient to determine the role of this variant in disease. Therefore, it has been classified as a Variant of Uncertain Significance. Advanced modeling of protein sequence and biophysical properties (such as structural, functional, and spatial information, amino acid conservation, physicochemical variation, residue mobility, and thermodynamic stability) performed at Invitae indicates that this missense variant is not expected to disrupt LRTOMT protein function. ClinVar contains an entry for this variant (Variation ID: 1443179). This variant has not been reported in the literature in individuals affected with LRTOMT-related conditions. This variant is present in population databases (rs767713899, gnomAD 0.1%). This sequence change replaces histidine, which is basic and polar, with tyrosine, which is neutral and polar, at codon 114 of the LRTOMT protein (p.His114Tyr).